The following is an entry in ClinVar:

NM_001458.5(FLNC):c.7624A>G (p.Ile2542Val)

Genes: FLNC (filamin C; plus strand), FLNC-AS1 (FLNC antisense RNA 1; minus strand). Cytogenetic location: 7q32.1.
Variant type: single nucleotide variant.
Coding change: c.7624A>G on transcript NM_001458.5 (MANE Select); coding-DNA position 7624, A replaced by G.
Protein change: p.Ile2542Val; replaces isoleucine 2542 with valine.
Molecular consequence: missense variant.
Genome position (GRCh38, 1-based): chr7:128,857,180, A>G. VCF-style: chr7-128857180-A-G. GRCh37 (hg19) VCF-style: chr7-128497234-A-G.
Other names: c.7525A>G, p.Ile2509Val (NM_001127487.2); short protein forms I2509V, I2542V.
Identifiers: ClinVar variation 2928675 (VCV002928675.3), dbSNP rs2536671247, ClinGen allele CA369219400.

ClinVar aggregate classification (germline): Uncertain significance (1 of 4 stars; one submission).

Conditions:
Hypertrophic cardiomyopathy 26. Also called: Cardiomyopathy, familial hypertrophic, 26. Identifiers: Orphanet 75249, MedGen C4310749, MONDO:0014883, OMIM 617047.
Myofibrillar myopathy 5. Also called: Filaminopathy (type); FILAMINOPATHY, AUTOSOMAL DOMINANT. Identifiers: Orphanet 171445, MedGen C1836050, MONDO:0012289, OMIM 609524.
Distal myopathy with posterior leg and anterior hand involvement. Also called: WILLIAMS DISTAL MYOPATHY. Identifiers: Orphanet 63273, MedGen C3279722, MONDO:0013550, OMIM 614065.

Submission:

Labcorp Genetics (formerly Invitae), Labcorp
Classification: Uncertain significance for Distal myopathy with posterior leg and anterior hand involvement; Myofibrillar myopathy 5; Hypertrophic cardiomyopathy 26. Last evaluated: 2025-04-08. Review status: criteria provided, single submitter. Criteria: Invitae Variant Classification Sherloc (09022015). Collection method: clinical testing. Allele origin: germline.
Comment: This sequence change replaces isoleucine, which is neutral and non-polar, with valine, which is neutral and non-polar, at codon 2542 of the FLNC protein (p.Ile2542Val). This variant is not present in population databases (gnomAD no frequency). This variant has not been reported in the literature in individuals affected with FLNC-related conditions. ClinVar contains an entry for this variant (Variation ID: 2928675). Invitae Evidence Modeling of protein sequence and biophysical properties (such as structural, functional, and spatial information, amino acid conservation, physicochemical variation, residue mobility, and thermodynamic stability) indicates that this missense variant is not expected to disrupt FLNC protein function with a negative predictive value of 95%. In summary, the available evidence is currently insufficient to determine the role of this variant in disease. Therefore, it has been classified as a Variant of Uncertain Significance.